The following is an entry in ClinVar:

ClinVar aggregate classification (germline): Uncertain significance. Review status: criteria provided, multiple submitters, no conflicts (2 of 4 stars). 4 submissions from 4 submitters: Uncertain significance (4). Last evaluated 2025-12-29.

Conditions:
Hereditary cancer-predisposing syndrome. Also called: Neoplastic Syndromes, Hereditary; Hereditary Cancer Syndrome; Hereditary neoplastic syndrome; Tumor predisposition. Identifiers: Orphanet 140162, MedGen C0027672, MeSH D009386, MONDO:0015356.

Allele frequency attached by ClinVar (database versions not stated): gnomAD exomes 0.00002.
gnomAD v4.1: 26 of 1,608,914 alleles (0.0016%); highest among the groups gnomAD compares: Non-Finnish European, 0.002%; no homozygotes.

Submissions (4):

Center for Genomic Medicine, Rigshospitalet, Copenhagen University Hospital
Classification: Uncertain significance. Last evaluated: 2025-12-29. Review status: criteria provided, single submitter. Criteria: ACMG Guidelines, 2015. Collection method: clinical testing. Allele origin: germline.

Labcorp Genetics (formerly Invitae), Labcorp
Classification: Uncertain significance. Last evaluated: 2025-01-08. Review status: criteria provided, single submitter. Criteria: Invitae Variant Classification Sherloc (09022015). Collection method: clinical testing. Allele origin: germline.
Comment: This sequence change replaces arginine, which is basic and polar, with cysteine, which is neutral and slightly polar, at codon 1691 of the POLE protein (p.Arg1691Cys). This variant is present in population databases (rs777599909, gnomAD 0.003%). This variant has not been reported in the literature in individuals affected with POLE-related conditions. ClinVar contains an entry for this variant (Variation ID: 540619). Invitae Evidence Modeling of protein sequence and biophysical properties (such as structural, functional, and spatial information, amino acid conservation, physicochemical variation, residue mobility, and thermodynamic stability) indicates that this missense variant is not expected to disrupt POLE protein function with a negative predictive value of 80%. In summary, the available evidence is currently insufficient to determine the role of this variant in disease. Therefore, it has been classified as a Variant of Uncertain Significance.

Ambry Genetics
Classification: Uncertain significance for Hereditary cancer-predisposing syndrome. Last evaluated: 2024-12-04. Review status: criteria provided, single submitter. Criteria: Ambry Variant Classification Scheme 2023. Collection method: clinical testing. Allele origin: germline.
Comment: The p.R1691C variant (also known as c.5071C>T), located in coding exon 38 of the POLE gene, results from a C to T substitution at nucleotide position 5071. The arginine at codon 1691 is replaced by cysteine, an amino acid with highly dissimilar properties. This amino acid position is highly conserved in available vertebrate species. In addition, the in silico prediction for this alteration is inconclusive. Based on the available evidence, the clinical significance of this variant remains unclear.

GeneDx
Classification: Uncertain significance. Last evaluated: 2023-07-20. Review status: criteria provided, single submitter. Criteria: GeneDx Variant Classification Process June 2021. Collection method: clinical testing. Allele origin: germline. Affected: yes.
Comment: Not observed at significant frequency in large population cohorts (gnomAD); In silico analysis supports that this missense variant has a deleterious effect on protein structure/function; Observed in individuals with thyroid cancer (Yehia et al., 2015); This variant is associated with the following publications: (PMID: 26522472)

NM_006231.4(POLE):c.5071C>T (p.Arg1691Cys)

Gene: POLE (DNA polymerase epsilon, catalytic subunit; minus strand). Cytogenetic location: 12q24.33.
Variant type: single nucleotide variant.
Coding change: c.5071C>T on transcript NM_006231.4 (MANE Select); coding-DNA position 5071, C replaced by T.
Protein change: p.Arg1691Cys; replaces arginine 1691 with cysteine.
Molecular consequence: missense variant.
Genome position (GRCh38, 1-based): chr12:132,642,279, G>A on the plus strand (C>T on the coding strand, the complement: POLE is on the minus strand). VCF-style: chr12-132642279-G-A. GRCh37 (hg19) VCF-style: chr12-133218865-G-A.
Other names: c.5071C>T (NM_006231.2); short protein forms R1691C.
Identifiers: ClinVar variation 540619 (VCV000540619.14), dbSNP rs777599909, ClinGen allele CA6892630.